The following is an entry in ClinVar:

ClinVar aggregate classification (somatic clinical impact): Tier II - Potential (1 of 4 stars; one submission).

Conditions:
Nephroblastoma. Also called: Wilms' tumor; Wilms tumor. Identifiers: Orphanet 654, MedGen C0027708, MeSH D009396, MONDO:0006058, HP:0002667.

Submission:

Institute for Genomic Medicine (IGM) Clinical Laboratory, Nationwide Children's Hospital
Classification: Tier II - Potential for Kidney Wilms tumor. Assertion type: diagnostic. Clinical significance: supports diagnosis. Last evaluated: 2025-07-01. Review status: criteria provided, single submitter. Criteria: AMP/ASCO/CAP Guidelines, 2017. Collection method: clinical testing. Allele origin: somatic. Affected: yes.
Comment: Variant has Tier II (potential) clinical significance as a diagnostic inclusion criterion in Wilms tumor, based on the following evidence: 1) Documented in one or more cancer databases (e.g., St. Jude Pecan, COSMIC, CIViC, OncoKB). 2) Information in the literature supports potential biologic effect of variant (PMIDs: 17575125, 17646408, 23095493, 30510140, 34817806). 3) Diagnostic significance based on multiple small studies (Evidence Level C; PMIDs: 20332316, 24909261, 25670083).

Literature cited by the submitters: PubMed 17575125; PubMed 17646408; PubMed 23095493; PubMed 30510140; PubMed 34817806; PubMed 20332316; PubMed 24909261; PubMed 25670083.

NM_001349798.2(FBXW7):c.1513C>A (p.Arg505Ser)

Gene: FBXW7 (F-box and WD repeat domain containing 7; minus strand). Cytogenetic location: 4q31.3.
Variant type: single nucleotide variant.
Coding change: c.1513C>A on transcript NM_001349798.2 (MANE Select); coding-DNA position 1513, C replaced by A.
Protein change: p.Arg505Ser; replaces arginine 505 with serine.
Molecular consequence: missense variant.
Genome position (GRCh38, 1-based): chr4:152,326,137, G>T on the plus strand (C>A on the coding strand, the complement: FBXW7 is on the minus strand). VCF-style: chr4-152326137-G-T. GRCh37 (hg19) VCF-style: chr4-153247289-G-T.
Other names: c.1159C>A, p.Arg387Ser (LRG_1141t3, NM_001013415.2); c.1273C>A, p.Arg425Ser (LRG_1141t2, NM_018315.5); c.1513C>A, p.Arg505Ser (LRG_1141t1, NM_033632.3); short protein forms R505S, R387S, R425S.
Identifiers: ClinVar variation 4530545 (VCV004530545.1), dbSNP rs149680468.